The following is an entry in ClinVar:

NM_001385012.1(NBEA):c.5698C>T (p.Arg1900Cys)

Gene: NBEA (neurobeachin; plus strand). Cytogenetic location: 13q13.3.
Variant type: single nucleotide variant.
Coding change: c.5698C>T on transcript NM_001385012.1 (MANE Select); coding-DNA position 5698, C replaced by T.
Protein change: p.Arg1900Cys; replaces arginine 1900 with cysteine.
Molecular consequence: missense variant.
Genome position (GRCh38, 1-based): chr13:35,232,541, C>T. VCF-style: chr13-35232541-C-T. GRCh37 (hg19) VCF-style: chr13-35806678-C-T.
Other names: c.5689C>T, p.Arg1897Cys (NM_001379245.1); c.5698C>T, p.Arg1900Cys (NM_015678.5); short protein forms R1897C, R1900C.
Identifiers: ClinVar variation 2504482 (VCV002504482.1), dbSNP rs2504610780, ClinGen allele CA387840582.

ClinVar aggregate classification (germline): Uncertain significance (1 of 4 stars; one submission).

Allele frequency attached by ClinVar (database versions not stated): gnomAD exomes below 0.00001.
gnomAD v4.1: 1 of 1,551,282 alleles (0.000064%); highest among the groups gnomAD compares: Non-Finnish European, 0.000087%; no homozygotes.

Submission:

GeneDx
Classification: Uncertain significance. Last evaluated: 2022-11-29. Review status: criteria provided, single submitter. Criteria: GeneDx Variant Classification Process June 2021. Collection method: clinical testing. Allele origin: germline. Affected: yes.
Comment: Not observed at significant frequency in large population cohorts (gnomAD); In silico analysis supports that this missense variant has a deleterious effect on protein structure/function; Has not been previously published as pathogenic or benign to our knowledge